The following is an entry in ClinVar:

ClinVar aggregate classification (germline): Pathogenic. Review status: criteria provided, multiple submitters, no conflicts (2 of 4 stars). 14 submissions from 12 submitters: Pathogenic (12). 2 of the submissions do not count toward it. Last evaluated 2026-01-11.

Conditions:
Peroxisome biogenesis disorder 9B. Also called: PEX7-Related Refsum Disease; Refsum disease, adult, 2; PEROXISOME BIOGENESIS DISORDER, PEX7-RELATED, ATYPICAL. Identifiers: Orphanet 773, MedGen C2749346, MONDO:0013945, OMIM 614879.
Rhizomelic chondrodysplasia punctata type 1 (RCDP1). Also called: PEROXISOME BIOGENESIS DISORDER 9; CHONDRODYSTROPHIA CALCIFICANS PUNCTATA; PEX7-Related Rhizomelic Chondrodysplasia Punctata. Identifiers: Orphanet 177, Orphanet 309789, MedGen C1859133, MONDO:0008972, OMIM 215100. Disease mechanism: loss of function.
Refsum disease, classic. Also called: PHYH-Related Refsum Disease; PHYTANIC ACID OXIDASE DEFICIENCY; HEREDOPATHIA ATACTICA POLYNEURITIFORMIS; HMSN IV. Identifiers: Orphanet 773, MedGen C5780941, MONDO:1060256, OMIM 266500. Disease mechanism: loss of function.
PEX7-related disorder. Also called: PEX7-related condition; PEX7-related disorders. Identifiers: MedGen CN239409.
Inborn genetic diseases. Identifiers: MedGen C0950123, MeSH D030342.
Rhizomelic chondrodysplasia punctata (RCDP). Identifiers: Orphanet 177, MedGen C0282529, MONDO:0015776. Disease mechanism: loss of function.

Allele frequency attached by ClinVar (database versions not stated): gnomAD 0.00010; TOPMed 0.00008.
gnomAD v4.1: 131 of 1,349,960 alleles (0.0097%); highest among the groups gnomAD compares: Admixed American, 0.018%; no homozygotes.

Submissions (14):

Labcorp Genetics (formerly Invitae), Labcorp
Classification: Pathogenic for Peroxisome biogenesis disorder 9B. Last evaluated: 2026-01-11. Review status: criteria provided, single submitter. Criteria: Invitae Variant Classification Sherloc (09022015). Collection method: clinical testing. Allele origin: germline.
Comment: This sequence change creates a premature translational stop signal (p.Tyr40*) in the PEX7 gene. It is expected to result in an absent or disrupted protein product. Loss-of-function variants in PEX7 are known to be pathogenic (PMID: 12325024, 12522768, 20301447). This variant is present in population databases (rs61753238, gnomAD 0.06%). This premature translational stop signal has been observed in individuals with rhizomelic chondrodysplasia punctata type 1 and Refsum disease (PMID: 11781871, 12325024, 12522768). ClinVar contains an entry for this variant (Variation ID: 7788). Algorithms developed to predict the effect of sequence changes on RNA splicing suggest that this variant may disrupt the consensus splice site. For these reasons, this variant has been classified as Pathogenic.

PreventionGenetics, part of Exact Sciences
Classification: Pathogenic for PEX7-related condition. Last evaluated: 2025-07-28. Review status: criteria provided, single submitter. Criteria: ACMG Guidelines, 2015. Collection method: clinical testing. Allele origin: germline.
Comment: The PEX7 c.120C>G variant is predicted to result in premature protein termination (p.Tyr40*). This variant has been reported to be causative for peroxisomal biogenesis disorders, rhizomelic chondrodysplasia punctata type 1 and Refsum disease (Motley et al. 2002. PubMed ID: 11781871; van den Brink et al. 2003. PubMed ID: 12522768; Fallatah et al. 2020. PubMed ID: 33337545). This variant is reported in 0.060% of alleles in individuals of Latino descent in gnomAD. Nonsense variants in PEX7 are expected to be pathogenic. This variant is interpreted as pathogenic.

Natera, Inc.
Classification: Pathogenic for Rhizomelic Chondrodysplasia Punctata. Last evaluated: 2025-06-05. Review status: criteria provided, single submitter. Criteria: Natera Variant Classification Schema (03/2026). Collection method: clinical testing. Allele origin: germline.
Comment: The c.120C>G variant in PEX7 is a nonsense variant predicted to introduce a stop codon at amino acid 40. This variant is expected to result in nonsense mediated decay, truncation, or a dysfunctional protein product. This variant is rare in the general population with a frequency below the threshold expected for the associated phenotype(s). This variant has been observed in one or more individuals affected with the associated recessive disease, as either homozygous or compound heterozygous with a second variant (PMID: 12325024). Given the available evidence, this variant is classified as Pathogenic.

Fulgent Genetics
Classification: Pathogenic for Rhizomelic chondrodysplasia punctata type 1; Peroxisome biogenesis disorder 9B. Last evaluated: 2024-05-10. Review status: criteria provided, single submitter. Criteria: ACMG Guidelines, 2015. Collection method: clinical testing. Allele origin: germline.

Baylor Genetics
Classification: Pathogenic for Peroxisome biogenesis disorder 9B. Last evaluated: 2024-03-10. Review status: criteria provided, single submitter. Criteria: ACMG Guidelines, 2015. Collection method: clinical testing. Allele origin: unknown.

Blueprint Genetics
Classification: Pathogenic for PEX7-related disorders. Last evaluated: 2022-11-24. Review status: criteria provided, single submitter. Criteria: ACMG Guidelines, 2015. Collection method: clinical testing. Allele origin: germline. Affected: yes. Observed: 5 variant alleles.

Revvity Omics, Revvity
Classification: Pathogenic. Last evaluated: 2022-03-03. Review status: criteria provided, single submitter. Criteria: ACMG Guidelines, 2015. Collection method: clinical testing. Allele origin: germline.

Ambry Genetics
Classification: Pathogenic for Inborn genetic diseases. Last evaluated: 2021-11-17. Review status: criteria provided, single submitter. Criteria: Ambry Variant Classification Scheme 2023. Collection method: clinical testing. Allele origin: germline.
Comment: The c.120C>G (p.Y40*) alteration, located in exon 1 (coding exon 1) of the PEX7 gene, consists of a C to G substitution at nucleotide position 120. This changes the amino acid from a tyrosine (Y) to a stop codon at amino acid position 40. This alteration is expected to result in loss of function by premature protein truncation or nonsense-mediated mRNA decay. Based on data from gnomAD, the G allele has an overall frequency of 0.01% (5/55,154) total alleles studied. The highest observed frequency was 0.06% (2/3,332) of Latino alleles. This alteration has been reported compound heterozygous with a second alteration in PEX7 in multiple patients with rhizomelic chondrodysplasia punctata (RCDP) or Refsum disease (Braverman, 2002; van den Brink, 2003). Motley et al. (2002) also reported this alteration in patients with RCDP. Based on the available evidence, this alteration is classified as pathogenic.

Fulgent Genetics
Classification: Pathogenic for Rhizomelic chondrodysplasia punctata type 1; Refsum disease, classic; Peroxisome biogenesis disorder 9B. Last evaluated: 2018-10-31. Review status: criteria provided, single submitter. Criteria: ACMG Guidelines, 2015. Collection method: clinical testing. Allele origin: unknown.

Women's Health and Genetics/Laboratory Corporation of America, LabCorp
Classification: Pathogenic for Rhizomelic chondrodysplasia punctata type 1. Last evaluated: 2017-08-08. Review status: criteria provided, single submitter. Criteria: LabCorp Variant Classification Summary - May 2015. Collection method: clinical testing. Allele origin: germline.
Comment: Variant summary: The PEX7 c.120C>G (p.Tyr40X) variant results in a premature termination codon, predicted to cause a truncated or absent PEX7 protein due to nonsense mediated decay, which are commonly known mechanisms for disease. This variant is absent in 5288 control chromosomes (indicated to be a low-quality site in ExAC). Multiple publications have cited the variant in affected individuals dx with RCDP1, however, it has been noted to also be found in Refsum Disease pts (van der Brink_2003). In addition, multiple clinical diagnostic laboratories/reputable databases classified this variant as "likely pathogenic/pathogenic." Taken together, this variant is classified as pathogenic.

Illumina Laboratory Services, Illumina
Classification: Pathogenic for PEX7-Related Disorders. Last evaluated: 2017-04-28. Review status: criteria provided, single submitter. Criteria: ICSL Variant Classification Criteria 09 May 2019. Collection method: clinical testing. Allele origin: germline.
Comment: The PEX7 c.120C>G (p.Tyr40Ter) variant is a stop-gained variant that has been reported in five individuals, including two compound heterozygotes diagnosed with Refsum disease, one compound heterozygote diagnosed with rhizomelic chondrodysplasia punctate (RCDP), and two heterozygotes diagnosed with RCDP in whom a second variant was not identified (Motley et al. 2002; van den Brink et al. 2003; Wood et al. 2014). Control data are unavailable for this variant, which it is not found in the 1000 Genomes Project, the Exome Sequencing Project, or the Exome Aggregation Consortium. In cultured skin fibroblasts from patients carrying the p.Tyr40Ter variant, van den Brink (2003) demonstrated that the variant leads to deficiency of phytanic acid alpha-oxidation, PhyH activity, and plasmalogen synthesis, defective subcellular localization, and an inability to restore thiolase protein transport, as compared to controls. Based on the evidence and the potential impact of stop-gained variants, the p.Tyr40Ter variant is classified as pathogenic for PEX7-related disorders. This variant was observed by ICSL as part of a predisposition screen in an ostensibly healthy population.

Genetic Services Laboratory, University of Chicago
Classification: Pathogenic for Rhizomelic chondrodysplasia punctata, type 1. Last evaluated: 2014-05-22. Review status: criteria provided, single submitter. Criteria: ACMG Guidelines, 2015. Collection method: clinical testing. Allele origin: germline. Inheritance: Autosomal recessive inheritance. Affected: yes.

OMIM
Classification: Pathogenic for PEROXISOME BIOGENESIS DISORDER 9B. Last evaluated: 2003-02-01. Review status: no assertion criteria provided. Collection method: literature only. Allele origin: germline. Not counted in ClinVar's aggregate classification.

OMIM
Classification: Pathogenic for RHIZOMELIC CHONDRODYSPLASIA PUNCTATA, TYPE 1. Last evaluated: 2003-02-01. Review status: no assertion criteria provided. Collection method: literature only. Allele origin: germline. Not counted in ClinVar's aggregate classification.

Literature cited by the submitters: PubMed 12325024 (cited by 4 submitters); PubMed 12522768 (cited by 5 submitters); PubMed 20301447 (cited by Labcorp Genetics (formerly Invitae), Labcorp); PubMed 11781871 (cited by 5 submitters).

NM_000288.4(PEX7):c.120C>G (p.Tyr40Ter)

Gene: PEX7 (peroxisomal biogenesis factor 7; plus strand). Cytogenetic location: 6q23.3.
Variant type: single nucleotide variant.
Coding change: c.120C>G on transcript NM_000288.4 (MANE Select); coding-DNA position 120, C replaced by G.
Protein change: p.Tyr40Ter; replaces tyrosine 40 with a stop codon.
Molecular consequence: nonsense.
Genome position (GRCh38, 1-based): chr6:136,822,785, C>G. VCF-style: chr6-136822785-C-G. GRCh37 (hg19) VCF-style: chr6-137143923-C-G.
Other names: short protein forms Y40*.
Identifiers: ClinVar variation 7788 (VCV000007788.29), dbSNP rs61753238, ClinGen allele CA119075.